The following is an entry in ClinVar:

ClinVar aggregate classification (germline): Benign/Likely benign. Review status: criteria provided, multiple submitters, no conflicts (2 of 4 stars). 4 submissions from 4 submitters: Benign (2); Likely benign (1). 1 of the submissions does not count toward it. Last evaluated 2026-01-27.

Conditions:
Welander distal myopathy (WDM). Also called: Welander distal myopathy, Swedish type; Distal myopathy, Swedish type; Gower's muscular dystrophy; MUSCULAR DYSTROPHY, DISTAL, LATE-ONSET, AUTOSOMAL DOMINANT. Identifiers: Orphanet 603, MedGen C0221054, MONDO:0011466, OMIM 604454.

Submissions (4):

Labcorp Genetics (formerly Invitae), Labcorp
Classification: Benign for Welander distal myopathy. Last evaluated: 2026-01-27. Review status: criteria provided, single submitter. Criteria: Invitae Variant Classification Sherloc (09022015). Collection method: clinical testing. Allele origin: germline.

Blueprint Genetics
Classification: Likely benign. Last evaluated: 2024-11-26. Review status: criteria provided, single submitter. Criteria: ACMG Guidelines, 2015. Collection method: clinical testing. Allele origin: germline.

Mayo Clinic Laboratories, Mayo Clinic
Classification: Benign. Last evaluated: 2023-05-01. Review status: criteria provided, single submitter. Criteria: ACMG Guidelines, 2015. Collection method: clinical testing. Allele origin: germline. Observed: 3 variant alleles.
Comment: BA1, BP4, BP7

Genetic Services Laboratory, University of Chicago
Classification: Benign. Last evaluated: 2022-06-27. Review status: no assertion criteria provided. Collection method: clinical testing. Allele origin: germline. Affected: no. Not counted in ClinVar's aggregate classification.

NM_022173.4(TIA1):c.223-3dup

Gene: TIA1 (TIA1 cytotoxic granule associated RNA binding protein; minus strand). Cytogenetic location: 2p13.3.
Variant type: Duplication.
Coding change: c.223-3dup on transcript NM_022173.4 (MANE Select); 3 bases into the intron before coding-DNA position 223, one base duplicated (T; older notation c.223-3dupT).
Molecular consequence: intron variant.
Genome position (GRCh38, 1-based): chr2:70,229,321, A duplicated on the plus strand (T on the coding strand, the reverse complement: TIA1 is on the minus strand); the first of 12 consecutive A bases (chr2:70,229,321-70,229,332); duplicating any one gives the same sequence. VCF-style (leftmost placement, unchanged base first): chr2-70229320-T-TA. GRCh37 (hg19) VCF-style: chr2-70456452-T-TA.
Other names: p.?; c.112-3dup (NM_001351513.1, NM_001351511.1); c.118-3dup (NM_001351512.1); c.28-3dup (NM_001351514.2, NM_001351523.2); c.-198-3dup (NM_001351524.2); c.-421-3dup (NM_001351517.2); c.223-3dup (NM_001351510.2, NM_022037.4, NM_001351508.2 and 6 more transcripts); c.-231-3dup (NM_001351525.2); and 2 more.
Identifiers: ClinVar variation 1582154 (VCV001582154.12), dbSNP rs750862626, ClinGen allele CA1697683.